The following is an entry in ClinVar:

ClinVar aggregate classification (germline): Uncertain significance (1 of 4 stars; one submission).

Conditions:
Hereditary cancer-predisposing syndrome. Also called: Neoplastic Syndromes, Hereditary; Tumor predisposition; Hereditary neoplastic syndrome; Hereditary Cancer Syndrome. Identifiers: Orphanet 140162, MedGen C0027672, MeSH D009386, MONDO:0015356.

Submission:

Ambry Genetics
Classification: Uncertain significance for Hereditary cancer-predisposing syndrome. Last evaluated: 2026-09-13. Review status: criteria provided, single submitter. Criteria: Ambry Variant Classification Scheme 2023. Collection method: clinical testing. Allele origin: germline.
Comment: The p.N46K variant (also known as c.138T>A), located in coding exon 2 of the BLM gene, results from a T to A substitution at nucleotide position 138. The asparagine at codon 46 is replaced by lysine, an amino acid with similar properties. This amino acid position is conserved. In addition, this alteration is predicted to be tolerated by in silico analysis. Based on the available evidence, the clinical significance of this variant remains unclear.

NM_000057.4(BLM):c.138T>A (p.Asn46Lys)

Gene: BLM (BLM RecQ like helicase; plus strand). Cytogenetic location: 15q26.1.
Variant type: single nucleotide variant.
Coding change: c.138T>A on transcript NM_000057.4 (MANE Select); coding-DNA position 138, T replaced by A.
Protein change: p.Asn46Lys; replaces asparagine 46 with lysine.
Molecular consequence: missense variant. On other transcripts: 5 prime UTR variant (1).
Genome position (GRCh38, 1-based): chr15:90,749,406, T>A. VCF-style: chr15-90749406-T-A. GRCh37 (hg19) VCF-style: chr15-91292636-T-A.
Other names: c.138T>A, p.Asn46Lys (NM_001287246.2, NM_001287247.2); c.-1154T>A (NM_001287248.2); short protein forms N46K.
Identifiers: ClinVar variation 5032935 (VCV005032935.1).